The following is an entry in ClinVar:

NM_033109.5(PNPT1):c.1147T>G (p.Ser383Ala)

Gene: PNPT1 (polyribonucleotide nucleotidyltransferase 1; minus strand). Cytogenetic location: 2p16.1.
Variant type: single nucleotide variant.
Coding change: c.1147T>G on transcript NM_033109.5 (MANE Select); coding-DNA position 1147, T replaced by G.
Protein change: p.Ser383Ala; replaces serine 383 with alanine.
Molecular consequence: missense variant.
Genome position (GRCh38, 1-based): chr2:55,667,020, A>C on the plus strand (T>G on the coding strand, the complement: PNPT1 is on the minus strand). VCF-style: chr2-55667020-A-C. GRCh37 (hg19) VCF-style: chr2-55894155-A-C.
Other names: c.1147T>G (NM_033109.3); short protein forms S383A.
Identifiers: ClinVar variation 1512874 (VCV001512874.4), dbSNP rs767953053, ClinGen allele CA1668216.

ClinVar aggregate classification (germline): Uncertain significance. Review status: criteria provided, multiple submitters, no conflicts (2 of 4 stars). 2 submissions from 2 submitters: Uncertain significance (2). Last evaluated 2024-09-09.

Conditions:
Inborn genetic diseases. Identifiers: MedGen C0950123, MeSH D030342.

Allele frequency attached by ClinVar (database versions not stated): TOPMed 0.00001; ExAC 0.00002.
gnomAD v4.1: 9 of 1,600,622 alleles (0.00056%); highest among the groups gnomAD compares: Admixed American, 0.016%; no homozygotes.

Submissions (2):

Ambry Genetics
Classification: Uncertain significance for Inborn genetic diseases. Last evaluated: 2024-09-09. Review status: criteria provided, single submitter. Criteria: Ambry Variant Classification Scheme 2023. Collection method: clinical testing. Allele origin: germline.

Labcorp Genetics (formerly Invitae), Labcorp
Classification: Uncertain significance. Last evaluated: 2021-09-24. Review status: criteria provided, single submitter. Criteria: Invitae Variant Classification Sherloc (09022015). Collection method: clinical testing. Allele origin: germline.
Comment: This sequence change replaces serine with alanine at codon 383 of the PNPT1 protein (p.Ser383Ala). The serine residue is highly conserved and there is a moderate physicochemical difference between serine and alanine. This variant is present in population databases (rs767953053, ExAC 0.02%). This variant has not been reported in the literature in individuals affected with PNPT1-related conditions. Advanced modeling of protein sequence and biophysical properties (such as structural, functional, and spatial information, amino acid conservation, physicochemical variation, residue mobility, and thermodynamic stability) performed at Invitae indicates that this missense variant is expected to disrupt PNPT1 protein function. In summary, the available evidence is currently insufficient to determine the role of this variant in disease. Therefore, it has been classified as a Variant of Uncertain Significance.